The following is an entry in ClinVar:

NM_032930.3(CFAP300):c.435+4A>G

Gene: CFAP300 (cilia and flagella associated protein 300; plus strand). Cytogenetic location: 11q22.1.
Variant type: single nucleotide variant.
Coding change: c.435+4A>G on transcript NM_032930.3 (MANE Select); 4 bases into the intron after coding-DNA position 435, A replaced by G.
Molecular consequence: intron variant.
Genome position (GRCh38, 1-based): chr11:102,066,655, A>G. VCF-style: chr11-102066655-A-G. GRCh37 (hg19) VCF-style: chr11-101937386-A-G.
Other names: c.435+4A>G (NM_001363505.2); c.268+7700A>G (NM_001195005.2).
Identifiers: ClinVar variation 2893018 (VCV002893018.4), dbSNP rs1942231774, ClinGen allele CA941605453.

ClinVar aggregate classification (germline): Likely pathogenic (1 of 4 stars; one submission).

Allele frequency attached by ClinVar (database versions not stated): gnomAD 0.00001; TOPMed 0.00001.
gnomAD v4.1: 1 of 1,580,282 alleles (0.000063%); highest among the groups gnomAD compares: African/African-American, 0.0014%; no homozygotes.

Submissions (2):

Labcorp Genetics (formerly Invitae), Labcorp
Classification: Likely pathogenic. Last evaluated: 2025-06-06. Review status: criteria provided, single submitter. Criteria: Invitae Variant Classification Sherloc (09022015). Collection method: clinical testing. Allele origin: germline.
Comment: This sequence change falls in intron 4 of the C11orf70 gene. It does not directly change the encoded amino acid sequence of the C11orf70 protein. It affects a nucleotide within the consensus splice site. This variant is not present in population databases (gnomAD no frequency). This variant has been observed in individual(s) with clinical features of primary ciliary dyskinesia (internal data). In at least one individual the data is consistent with being in trans (on the opposite chromosome) from a pathogenic variant. ClinVar contains an entry for this variant (Variation ID: 2893018). Variants that disrupt the consensus splice site are a relatively common cause of aberrant splicing (PMID: 17576681, 9536098). Algorithms developed to predict the effect of sequence changes on RNA splicing suggest that this variant may disrupt the consensus splice site. In summary, the currently available evidence indicates that the variant is pathogenic, but additional data are needed to prove that conclusively. Therefore, this variant has been classified as Likely Pathogenic.

Dr. Peter K. Rogan Lab, Western University
No classification provided (evidence only). Condition: Melanoma. Review status: no classification provided. Collection method: in vitro. Allele origin: not applicable. Functional consequence: skipped exon, retained intron. Not counted in ClinVar's aggregate classification.

Literature cited by the submitters: PubMed 17576681 (cited by Labcorp Genetics (formerly Invitae), Labcorp); PubMed 9536098 (cited by Labcorp Genetics (formerly Invitae), Labcorp).